The following is an entry in ClinVar:

ClinVar aggregate classification (germline): Pathogenic/Likely pathogenic. Review status: criteria provided, multiple submitters, no conflicts (2 of 4 stars). 2 submissions from 2 submitters: Pathogenic (1); Likely pathogenic (1). Last evaluated 2024-03-16.

Conditions:
Autosomal recessive nonsyndromic hearing loss 23. Identifiers: Orphanet 90636, MedGen C1836027, MONDO:0012293, OMIM 609533.

Submissions (2):

Labcorp Genetics (formerly Invitae), Labcorp
Classification: Pathogenic. Last evaluated: 2024-03-16. Review status: criteria provided, single submitter. Criteria: Invitae Variant Classification Sherloc (09022015). Collection method: clinical testing. Allele origin: germline.
Comment: This sequence change creates a premature translational stop signal (p.Gln488*) in the PCDH15 gene. It is expected to result in an absent or disrupted protein product. Loss-of-function variants in PCDH15 are known to be pathogenic (PMID: 11398101, 11487575, 14570705). This variant is not present in population databases (gnomAD no frequency). This variant has not been reported in the literature in individuals affected with PCDH15-related conditions. ClinVar contains an entry for this variant (Variation ID: 1069748). For these reasons, this variant has been classified as Pathogenic.

Baylor Genetics
Classification: Likely pathogenic for Autosomal recessive nonsyndromic hearing loss 23. Last evaluated: 2023-03-09. Review status: criteria provided, single submitter. Criteria: ACMG Guidelines, 2015. Collection method: clinical testing. Allele origin: unknown.

Literature cited by the submitters: PubMed 11398101 (cited by Labcorp Genetics (formerly Invitae), Labcorp); PubMed 11487575 (cited by Labcorp Genetics (formerly Invitae), Labcorp); PubMed 14570705 (cited by Labcorp Genetics (formerly Invitae), Labcorp).

NM_001384140.1(PCDH15):c.1462C>T (p.Gln488Ter)

Gene: PCDH15 (protocadherin related 15; minus strand). Cytogenetic location: 10q21.1.
Variant type: single nucleotide variant.
Coding change: c.1462C>T on transcript NM_001384140.1 (MANE Select); coding-DNA position 1462, C replaced by T.
Protein change: p.Gln488Ter; replaces glutamine 488 with a stop codon.
Molecular consequence: nonsense.
Genome position (GRCh38, 1-based): chr10:54,183,572, G>A on the plus strand (C>T on the coding strand, the complement: PCDH15 is on the minus strand). VCF-style: chr10-54183572-G-A. GRCh37 (hg19) VCF-style: chr10-55943332-G-A.
Other names: c.1462C>T, p.Gln488Ter (NM_001142765.2, NM_001142766.2, NM_001142764.2 and 6 more transcripts); c.1351C>T, p.Gln451Ter (NM_001142767.2); c.1477C>T, p.Gln493Ter (NM_001142763.2, NM_001142771.2); c.1396C>T, p.Gln466Ter (NM_001142768.2, NM_001142773.2, NM_001354404.2); c.1498C>T, p.Gln500Ter (NM_001142769.4); c.1483C>T, p.Gln495Ter (NM_001354411.2); short protein forms Q451*, Q466*, Q488*, Q493*, Q495*, Q500*.
Identifiers: ClinVar variation 1069748 (VCV001069748.9), dbSNP rs2133801342, ClinGen allele CA376514725.